The following is an entry in ClinVar:

NM_002439.5(MSH3):c.617C>T (p.Ser206Leu)

Gene: MSH3 (mutS homolog 3; plus strand). Cytogenetic location: 5q14.1.
Variant type: single nucleotide variant.
Coding change: c.617C>T on transcript NM_002439.5 (MANE Select); coding-DNA position 617, C replaced by T.
Protein change: p.Ser206Leu; replaces serine 206 with leucine.
Molecular consequence: missense variant.
Genome position (GRCh38, 1-based): chr5:80,670,134, C>T. VCF-style: chr5-80670134-C-T. GRCh37 (hg19) VCF-style: chr5-79965953-C-T.
Other names: short protein forms S206L.
Identifiers: ClinVar variation 1005933 (VCV001005933.8), dbSNP rs1408201880, ClinGen allele CA360266387.

ClinVar aggregate classification (germline): Uncertain significance (1 of 4 stars; one submission).

Allele frequency attached by ClinVar (database versions not stated): gnomAD exomes below 0.00001.
gnomAD v4.1: 2 of 1,614,088 alleles (0.00012%); highest among the groups gnomAD compares: South Asian, 0.0022%; no homozygotes.

Submission:

Labcorp Genetics (formerly Invitae), Labcorp
Classification: Uncertain significance. Last evaluated: 2024-05-05. Review status: criteria provided, single submitter. Criteria: Invitae Variant Classification Sherloc (09022015). Collection method: clinical testing. Allele origin: germline.
Comment: This sequence change replaces serine, which is neutral and polar, with leucine, which is neutral and non-polar, at codon 206 of the MSH3 protein (p.Ser206Leu). This variant is present in population databases (no rsID available, gnomAD 0.003%). This variant has not been reported in the literature in individuals affected with MSH3-related conditions. ClinVar contains an entry for this variant (Variation ID: 1005933). An algorithm developed to predict the effect of missense changes on protein structure and function (PolyPhen-2) suggests that this variant is likely to be tolerated. In summary, the available evidence is currently insufficient to determine the role of this variant in disease. Therefore, it has been classified as a Variant of Uncertain Significance.